The following is an entry in ClinVar:

NM_004208.4(AIFM1):c.83C>A (p.Pro28Gln)

Genes: AIFM1 (apoptosis inducing factor mitochondria associated 1; minus strand), RAB33A (RAB33A, member RAS oncogene family; plus strand), LOC130068679 (ATAC-STARR-seq lymphoblastoid active region 29939; plus strand). Cytogenetic location: Xq26.1.
Variant type: single nucleotide variant.
Coding change: c.83C>A on transcript NM_004208.4 (MANE Select); coding-DNA position 83, C replaced by A.
Protein change: p.Pro28Gln; replaces proline 28 with glutamine.
Molecular consequence: missense variant. On other transcripts: non-coding transcript variant (1).
Genome position (GRCh38, 1-based): chrX:130,165,574, G>T on the plus strand (C>A on the coding strand, the complement: AIFM1 is on the minus strand). VCF-style: chrX-130165574-G-T. GRCh37 (hg19) VCF-style: chrX-129299548-G-T.
Other names: c.83C>A, p.Pro28Gln (NM_001130847.4, NM_145812.3); short protein forms P28Q.
Identifiers: ClinVar variation 1331266 (VCV001331266.4), dbSNP rs2124682374, ClinGen allele CA414564937.

ClinVar aggregate classification (germline): Uncertain significance. Review status: criteria provided, multiple submitters, no conflicts (2 of 4 stars). 2 submissions from 2 submitters: Uncertain significance (2). Last evaluated 2024-09-09.

Conditions:
Charcot-Marie-Tooth Neuropathy X. Identifiers: MedGen CN118851.
Combined oxidative phosphorylation deficiency. Identifiers: MedGen C4540031, MONDO:0000732.

Submissions (2):

Labcorp Genetics (formerly Invitae), Labcorp
Classification: Uncertain significance for Charcot-Marie-Tooth Neuropathy X; Combined oxidative phosphorylation deficiency. Last evaluated: 2024-09-09. Review status: criteria provided, single submitter. Criteria: Invitae Variant Classification Sherloc (09022015). Collection method: clinical testing. Allele origin: germline.
Comment: This sequence change replaces proline, which is neutral and non-polar, with glutamine, which is neutral and polar, at codon 28 of the AIFM1 protein (p.Pro28Gln). This variant is not present in population databases (gnomAD no frequency). This variant has not been reported in the literature in individuals affected with AIFM1-related conditions. ClinVar contains an entry for this variant (Variation ID: 1331266). Invitae Evidence Modeling of protein sequence and biophysical properties (such as structural, functional, and spatial information, amino acid conservation, physicochemical variation, residue mobility, and thermodynamic stability) has been performed for this missense variant. However, the output from this modeling did not meet the statistical confidence thresholds required to predict the impact of this variant on AIFM1 protein function. In summary, the available evidence is currently insufficient to determine the role of this variant in disease. Therefore, it has been classified as a Variant of Uncertain Significance.

GeneDx
Classification: Uncertain significance. Last evaluated: 2021-06-28. Review status: criteria provided, single submitter. Criteria: GeneDx Variant Classification Process June 2021. Collection method: clinical testing. Allele origin: germline. Affected: yes.
Comment: Not observed at significant frequency in large population cohorts (Lek et al., 2016); In silico analysis supports that this missense variant does not alter protein structure/function; Has not been previously published as pathogenic or benign to our knowledge; This variant is associated with the following publications: (PMID: 27535533)